The following is an entry in ClinVar:

NM_000285.4(PEPD):c.549-1G>A

Gene: PEPD (peptidase D; minus strand). Cytogenetic location: 19q13.11.
Variant type: single nucleotide variant.
Coding change: c.549-1G>A on transcript NM_000285.4 (MANE Select); the canonical splice acceptor site of the intron before coding-DNA position 549, G replaced by A.
Molecular consequence: splice acceptor variant. On other transcripts: intron variant (1).
Genome position (GRCh38, 1-based): chr19:33,464,063, C>T on the plus strand (G>A on the coding strand, the complement: PEPD is on the minus strand). VCF-style: chr19-33464063-C-T. GRCh37 (hg19) VCF-style: chr19-33954969-C-T.
Other names: c.357-1G>A (NM_001166057.2); c.548+13983G>A (NM_001166056.2).
Identifiers: ClinVar variation 807649 (VCV000807649.13), dbSNP rs1204749077, ClinGen allele CA405230843.

ClinVar aggregate classification (germline): Pathogenic. Review status: criteria provided, multiple submitters, no conflicts (2 of 4 stars). 5 submissions from 5 submitters: Pathogenic (5). Last evaluated 2025-01-21.

Conditions:
Prolidase deficiency. Identifiers: Orphanet 742, MedGen C0268532, MONDO:0008221, OMIM 170100.
PEPD-related disorder. Also called: PEPD-related condition.

Allele frequency attached by ClinVar (database versions not stated): gnomAD exomes below 0.00001.
gnomAD v4.1: 2 of 1,610,466 alleles (0.00012%); highest among the groups gnomAD compares: African/African-American, 0.0013%; no homozygotes.

Submissions (5):

3billion
Classification: Pathogenic for Prolidase deficiency. Last evaluated: 2025-01-21. Review status: criteria provided, single submitter. Criteria: ACMG Guidelines, 2015. Collection method: clinical testing. Allele origin: germline. Affected: yes.
Comment: The variant is observed at an extremely low frequency in the gnomAD v4.1.0 dataset (total allele frequency: <0.001%). Predicted Consequence/Location: Canonical splice site: predicted to alter splicing and result in a loss or disruption of normal protein function. Multiple pathogenic loss-of-function variants are reported downstream of the variant. In silico tools predict the variant to alter splicing and produce an abnormal transcript [SpliceAI: 0.98 (spliceogenicity >=0.2, non-spliceogenicity <0.1)]. The variant has been reported at least twice as pathogenic without evidence for the classification (ClinVar ID: VCV000807649 /PMID: 12384772). Therefore, this variant is classified as Pathogenic according to the recommendation of ACMG/AMP guideline.

Center of Human Genetics, Hôpital Erasme
Classification: Pathogenic for Prolidase deficiency. Last evaluated: 2025-01-01. Review status: criteria provided, single submitter. Criteria: ACMG Guidelines, 2015. Collection method: clinical testing. Allele origin: inherited. Affected: yes.

Labcorp Genetics (formerly Invitae), Labcorp
Classification: Pathogenic. Last evaluated: 2024-04-23. Review status: criteria provided, single submitter. Criteria: Invitae Variant Classification Sherloc (09022015). Collection method: clinical testing. Allele origin: germline.
Comment: This sequence change affects an acceptor splice site in intron 7 of the PEPD gene. RNA analysis indicates that disruption of this splice site induces altered splicing and may result in an absent or disrupted protein product. This variant is present in population databases (no rsID available, gnomAD 0.007%). Disruption of this splice site has been observed in individual(s) with prolidase deficiency (PMID: 12384772, 27067078). This variant is also known as IVS7-1G>A. ClinVar contains an entry for this variant (Variation ID: 807649). Studies have shown that disruption of this splice site results in multiple abnormally spliced transcripts and introduces a premature termination codon (PMID: 12384772). The resulting mRNA is expected to undergo nonsense-mediated decay. For these reasons, this variant has been classified as Pathogenic.

Institute of Human Genetics Munich, TUM University Hospital
Classification: Pathogenic for Prolidase deficiency. Last evaluated: 2019-06-11. Review status: criteria provided, single submitter. Criteria: Classification criteria August 2017. Collection method: clinical testing. Allele origin: germline. Inheritance: Autosomal recessive inheritance. Affected: yes. Observed: 1 compound heterozygote.

Blueprint Genetics
Classification: Pathogenic for PEPD-related disorders. Last evaluated: 2019-03-28. Review status: criteria provided, single submitter. Criteria: ACMG Guidelines, 2015. Collection method: clinical testing. Allele origin: germline. Affected: yes. Observed: 1 variant allele.

Literature cited by the submitters: PubMed 12384772 (cited by 3billion and Labcorp Genetics (formerly Invitae), Labcorp); PubMed 27067078 (cited by Labcorp Genetics (formerly Invitae), Labcorp).